The following is an entry in ClinVar:

ClinVar aggregate classification (germline): Benign. Review status: criteria provided, multiple submitters, no conflicts (2 of 4 stars). 8 submissions from 8 submitters: Benign (8). Last evaluated 2026-03-02.

Conditions:
Cystinuria (CSNU). Also called: Cystinuria, non-type I; CYSTINURIA, TYPE I; CYSTINURIA, TYPE II; CYSTINURIA, TYPE III. Identifiers: Orphanet 214, MedGen C0010691, MONDO:0009067, OMIM 220100, HP:0003131.

Allele frequency attached by ClinVar (database versions not stated): 1000 Genomes Project 0.54193; 1000 Genomes Project 30x 0.54575; TOPMed 0.60280; gnomAD exomes 0.60384 and 0.65847; gnomAD 0.60802 and 0.61143; ExAC 0.61004; ESP Exome Variant Server 0.63079.
gnomAD v4.1: 1,047,616 of 1,604,948 alleles (65%); highest among the groups gnomAD compares: Non-Finnish European, 68%; 346,759 homozygotes.

Submissions (8):

Women's Health and Genetics/Laboratory Corporation of America, LabCorp
Classification: Benign. Last evaluated: 2026-03-02. Review status: criteria provided, single submitter. Criteria: LabCorp Variant Classification Summary - May 2015. Collection method: clinical testing. Allele origin: germline.

Labcorp Genetics (formerly Invitae), Labcorp
Classification: Benign for Cystinuria. Last evaluated: 2026-02-04. Review status: criteria provided, single submitter. Criteria: Invitae Variant Classification Sherloc (09022015). Collection method: clinical testing. Allele origin: germline.

Blueprint Genetics
Classification: Benign. Last evaluated: 2024-11-26. Review status: criteria provided, single submitter. Criteria: ACMG Guidelines, 2015. Collection method: clinical testing. Allele origin: germline.

Mayo Clinic Laboratories, Mayo Clinic
Classification: Benign. Last evaluated: 2022-03-09. Review status: criteria provided, single submitter. Criteria: ACMG Guidelines, 2015. Collection method: clinical testing. Allele origin: germline. Observed: 151 variant alleles.

Genome-Nilou Lab
Classification: Benign for Cystinuria. Last evaluated: 2021-07-15. Review status: criteria provided, single submitter. Criteria: ACMG Guidelines, 2015. Collection method: clinical testing. Allele origin: germline. Affected: no.

GeneDx
Classification: Benign. Last evaluated: 2019-08-20. Review status: criteria provided, single submitter. Criteria: GeneDx Variant Classification Process June 2021. Collection method: clinical testing. Allele origin: germline. Affected: yes.

Illumina Laboratory Services, Illumina
Classification: Benign for Cystinuria. Last evaluated: 2018-01-12. Review status: criteria provided, single submitter. Criteria: ICSL Variant Classification Criteria 13 December 2019. Collection method: clinical testing. Allele origin: germline.
Comment: This variant was observed in the ICSL laboratory as part of a predisposition screen in an ostensibly healthy population. It had not been previously curated by ICSL or reported in the Human Gene Mutation Database (HGMD: prior to June 1st, 2018), and was therefore a candidate for classification through an automated scoring system. Utilizing variant allele frequency, disease prevalence and penetrance estimates, and inheritance mode, an automated score was calculated to assess if this variant is too frequent to cause the disease. Based on the score and internal cut-off values, a variant classified as benign is not then subjected to further curation. The score for this variant resulted in a classification of benign for this disease.

Breakthrough Genomics
Classification: Benign. Review status: criteria provided, single submitter. Criteria: ACMG Guidelines, 2015. Collection method: not provided. Allele origin: germline. Inheritance: Autosomal dominant inheritance. Affected: yes.

NM_000341.4(SLC3A1):c.1332+7C>T

Gene: SLC3A1 (solute carrier family 3 member 1; plus strand). Cytogenetic location: 2p21.
Variant type: single nucleotide variant.
Coding change: c.1332+7C>T on transcript NM_000341.4 (MANE Select); 7 bases into the intron after coding-DNA position 1332, C replaced by T.
Molecular consequence: intron variant.
Genome position (GRCh38, 1-based): chr2:44,304,345, C>T. VCF-style: chr2-44304345-C-T. GRCh37 (hg19) VCF-style: chr2-44531484-C-T.
Other names: p.?.
Identifiers: ClinVar variation 336204 (VCV000336204.20), dbSNP rs3738984, ClinGen allele CA1640522.